The following is an entry in ClinVar:

ClinVar aggregate classification (germline): Conflicting classifications of pathogenicity. Review status: criteria provided, conflicting classifications (1 of 4 stars). 2 submissions from 2 submitters: Uncertain significance (1); Likely benign (1). Last evaluated 2025-03-10.

Conditions:
Osteogenesis imperfecta type I (OI1). Also called: Lobstein's Disease; Osteogenesis imperfecta type 1; Lobstein disease; Classic Non-deforming Osteogenesis Imperfecta with Blue Sclerae; OI, TYPE I; OSTEOGENESIS IMPERFECTA TARDA. Identifiers: Orphanet 216796, Orphanet 666, MedGen C0023931, MONDO:0008146, OMIM 166200. Disease mechanism: loss of function.

Allele frequency attached by ClinVar (database versions not stated): gnomAD exomes below 0.00001 and 0.00001; TOPMed below 0.00001; ExAC 0.00001; gnomAD 0.00001; ESP Exome Variant Server 0.00008.
gnomAD v4.1: 9 of 1,613,998 alleles (0.00056%); highest among the groups gnomAD compares: East Asian, 0.0022%; no homozygotes.

Submissions (2):

Women's Health and Genetics/Laboratory Corporation of America, LabCorp
Classification: Uncertain significance. Last evaluated: 2025-03-10. Review status: criteria provided, single submitter. Criteria: LabCorp Variant Classification Summary - May 2015. Collection method: clinical testing. Allele origin: germline.
Comment: Variant summary: COL1A1 c.3641G>A (p.Arg1214His) results in a non-conservative amino acid change in the encoded protein sequence. Three of five in-silico tools predict a damaging effect of the variant on protein function. The variant allele was found at a frequency of 1.2e-05 in 251434 control chromosomes. The available data on variant occurrences in the general population are insufficient to allow any conclusion about variant significance. To our knowledge, no occurrence of c.3641G>A in individuals affected with Osteogenesis imperfecta type I and no experimental evidence demonstrating its impact on protein function have been reported. ClinVar contains an entry for this variant (Variation ID: 1430512). Based on the evidence outlined above, the variant was classified as uncertain significance.

Labcorp Genetics (formerly Invitae), Labcorp
Classification: Likely benign for Osteogenesis imperfecta type I. Last evaluated: 2025-03-06. Review status: criteria provided, single submitter. Criteria: Invitae Variant Classification Sherloc (09022015). Collection method: clinical testing. Allele origin: germline.

NM_000088.4(COL1A1):c.3641G>A (p.Arg1214His)

Gene: COL1A1 (collagen type I alpha 1 chain; minus strand). Cytogenetic location: 17q21.33.
Variant type: single nucleotide variant.
Coding change: c.3641G>A on transcript NM_000088.4 (MANE Select); coding-DNA position 3641, G replaced by A.
Protein change: p.Arg1214His; replaces arginine 1214 with histidine.
Molecular consequence: missense variant.
Genome position (GRCh38, 1-based): chr17:50,186,813, C>T on the plus strand (G>A on the coding strand, the complement: COL1A1 is on the minus strand). VCF-style: chr17-50186813-C-T. GRCh37 (hg19) VCF-style: chr17-48264174-C-T.
Other names: short protein forms R1214H.
Identifiers: ClinVar variation 1430512 (VCV001430512.7), dbSNP rs137987935, ClinGen allele CA8644384.